The following is an entry in ClinVar:

NM_000430.4(PAFAH1B1):c.33-2577G>C

Gene: PAFAH1B1 (platelet activating factor acetylhydrolase 1b regulatory subunit 1; plus strand). Cytogenetic location: 17p13.3.
Variant type: single nucleotide variant.
Coding change: c.33-2577G>C on transcript NM_000430.4 (MANE Select); 2577 bases into the intron before coding-DNA position 33, G replaced by C.
Molecular consequence: intron variant.
Genome position (GRCh38, 1-based): chr17:2,662,795, G>C. VCF-style: chr17-2662795-G-C. GRCh37 (hg19) VCF-style: chr17-2566089-G-C.
Identifiers: ClinVar variation 2647223 (VCV002647223.24), dbSNP rs147623319, ClinGen allele CA286904085.
Genomic context (GRCh38, chr17:2,662,795, plus strand): 5'-TGGTCTACTCCATTTTACTTCTGTGTGAATTTCTCTTTAATTCTAGTGACTGGTTTCAAA[G>C]AGGTGAAGATTCCATCCTTAATAAAGCTGATGAGGCCAGGTACAGTGGCTAACGCCTGTA-3'

ClinVar aggregate classification (germline): Likely benign (1 of 4 stars; one submission).

Allele frequency attached by ClinVar (database versions not stated): gnomAD 0.00005; 1000 Genomes Project 30x 0.00031; 1000 Genomes Project 0.00040.
gnomAD v4.1: 7 of 152,224 alleles (0.0046%); highest among the groups gnomAD compares: East Asian, 0.14%; no homozygotes.

Submission:

CeGaT Center for Human Genetics Tuebingen
Classification: Likely benign. Last evaluated: 2023-07-01. Review status: criteria provided, single submitter. Criteria: CeGaT Center For Human Genetics Tuebingen Variant Classification Criteria Version 2. Collection method: clinical testing. Allele origin: germline. Affected: yes. Observed: 1 variant allele.
Comment: PAFAH1B1: PP2, BS1